The following is an entry in ClinVar:

ClinVar aggregate classification (germline): Pathogenic/Likely pathogenic. Review status: no assertion criteria provided (0 of 4 stars). 2 submissions from 2 submitters: Pathogenic (1); Likely pathogenic (1). Last evaluated 2002-12-01.

Conditions:
Congenital secretory diarrhea, chloride type (DIAR1). Also called: DIARRHEA 1, SECRETORY CHLORIDE, CONGENITAL; CHLORIDORRHEA, CONGENITAL; CHLORIDE DIARRHEA, CONGENITAL, FINNISH TYPE. Identifiers: Orphanet 53689, MedGen C0267662, MONDO:0008964, OMIM 214700.

Submissions (2):

OMIM
Classification: Pathogenic for DIARRHEA 1, SECRETORY CHLORIDE, CONGENITAL. Last evaluated: 2002-12-01. Review status: no assertion criteria provided. Collection method: literature only. Allele origin: germline.

Juha Muilu Group; Institute for Molecular Medicine Finland (FIMM)
Classification: Likely pathogenic for Congenital secretory diarrhea, chloride type. Review status: no assertion criteria provided. Collection method: not provided. Allele origin: unknown.
Comment: FinDis database variant: This variant was not found or characterized by our laboratory, data were collected from public sources: see reference
ClinVar note: Converted during submission from probable-pathogenic to Likely pathogenic.

Literature cited by the submitters: PubMed 12442266 (cited by OMIM).

NM_000111.3(SLC26A3):c.145_157del (p.Lys49fs)

Gene: SLC26A3 (solute carrier family 26 member 3; minus strand). Cytogenetic location: 7q22.3.
Variant type: Deletion.
Coding change: c.145_157del on transcript NM_000111.3 (MANE Select); coding-DNA positions 145 to 157, 13 bases deleted (AAGGCCAAGAGAA).
Protein change: p.Lys49fs; shifts the reading frame from lysine 49.
Molecular consequence: frameshift variant.
Genome position (GRCh38, 1-based): chr7:107,793,856-107,793,868, TTCTCTTGGCCTT deleted on the plus strand (AAGGCCAAGAGAA on the coding strand, the reverse complement: SLC26A3 is on the minus strand); deleting any 13 consecutive bases within chr7:107,793,856-107,793,870 gives the same sequence; the c. name uses the placement nearest the transcript's 3' end. VCF-style (leftmost placement, unchanged base first): chr7-107793855-ATTCTCTTGGCCTT-A. GRCh37 (hg19) VCF-style: chr7-107434300-ATTCTCTTGGCCTT-A.
Other names: 13-BP DEL; c.145_157delAAGGCCAAGAGAA (NM_000111.2); c.145_157del (L02785.1); short protein forms K49fs.
Identifiers: ClinVar variation 55974 (VCV000055974.3), dbSNP rs386833456, ClinGen allele CA144058.
Genomic context (GRCh38, chr7:107,793,855, plus strand): 5'-AACCATTCTTTAAGCCGGTATGCTGGCAACCAAGATGCTATGGGGAACAAAGAGAGGACA[ATTCTCTTGGCCTT>A]TTGTGGGGAACAGCTGAAAACATGGAAAGCCACAGGTCAGTCAATTAATATCAAATTTTA-3'